The following is an entry in ClinVar:

ClinVar aggregate classification (germline): Pathogenic/Likely pathogenic. Review status: criteria provided, multiple submitters, no conflicts (2 of 4 stars). 2 submissions from 2 submitters: Pathogenic (1); Likely pathogenic (1). Last evaluated 2025-10-30.

Conditions:
Primary ciliary dyskinesia. Also called: Ciliary dyskinesia. Identifiers: Orphanet 244, MedGen C0008780, MONDO:0016575, HP:0012265.

Submissions (2):

Natera, Inc.
Classification: Likely pathogenic for Primary ciliary dyskinesia. Last evaluated: 2025-10-30. Review status: criteria provided, single submitter. Criteria: Natera Variant Classification Schema (03/2026). Collection method: clinical testing. Allele origin: germline.
Comment: The c.4515_4516del variant in DNAH5 is a frameshift variant predicted to shift the reading frame beginning at codon 1505 and leads to a stop codon 7 codons downstream. This variant is expected to result in nonsense mediated decay, truncation, or a dysfunctional protein product. This variant is rare in the general population with a frequency below the threshold expected for the associated phenotype(s). Given the available evidence, this variant is classified as Likely Pathogenic.

Labcorp Genetics (formerly Invitae), Labcorp
Classification: Pathogenic for Primary ciliary dyskinesia. Last evaluated: 2021-06-17. Review status: criteria provided, single submitter. Criteria: Invitae Variant Classification Sherloc (09022015). Collection method: clinical testing. Allele origin: germline.
Comment: For these reasons, this variant has been classified as Pathogenic. This variant has not been reported in the literature in individuals with DNAH5-related conditions. This variant is not present in population databases (ExAC no frequency). This sequence change creates a premature translational stop signal (p.His1505Glnfs*7) in the DNAH5 gene. It is expected to result in an absent or disrupted protein product. Loss-of-function variants in DNAH5 are known to be pathogenic (PMID: 11788826, 16627867).

Literature cited by the submitters: PubMed 11788826 (cited by Labcorp Genetics (formerly Invitae), Labcorp); PubMed 16627867 (cited by Labcorp Genetics (formerly Invitae), Labcorp).

NM_001369.3(DNAH5):c.4515_4516del (p.His1505fs)

Genes: DNAH5 (dynein axonemal heavy chain 5; minus strand), DNAH5-AS1 (DNAH5 antisense RNA 1; plus strand). Cytogenetic location: 5p15.2.
Variant type: Microsatellite.
Coding change: c.4515_4516del on transcript NM_001369.3 (MANE Select); coding-DNA positions 4515 to 4516, 2 bases deleted (CA; older notation c.4515_4516delCA).
Protein change: p.His1505fs; shifts the reading frame from histidine 1505.
Molecular consequence: frameshift variant.
Genome position (GRCh38, 1-based): chr5:13,864,477-13,864,478, TG deleted on the plus strand (CA on the coding strand, the reverse complement: DNAH5 is on the minus strand); deleting any 2 consecutive bases within chr5:13,864,477-13,864,480 gives the same sequence; the c. name uses the placement nearest the transcript's 3' end. VCF-style (leftmost placement, unchanged base first): chr5-13864476-CTG-C. GRCh37 (hg19) VCF-style: chr5-13864585-CTG-C.
Other names: c.4515_4516del (NM_001369.2); short protein forms H1505fs.
Identifiers: ClinVar variation 1451491 (VCV001451491.7), dbSNP rs2151908560, ClinGen allele CA2580613525.